The following is an entry in ClinVar:

ClinVar aggregate classification (germline): Uncertain significance (1 of 4 stars; one submission).

Conditions:
Developmental delay. Also called: Delayed development. Identifiers: MedGen C0424605.
PEHO-like syndrome. Also called: PROGRESSIVE ENCEPHALOPATHY WITH EDEMA, HYPSARRHYTHMIA, AND OPTIC ATROPHY-LIKE SYNDROME. Identifiers: Orphanet 99807, MedGen C1850056, MONDO:0020495, OMIM 617507.
Autism spectrum disorder. Also called: Autism spectrum disorders. Identifiers: MedGen C1510586, MeSH D000067877, MONDO:0005258.

Allele frequency attached by ClinVar (database versions not stated): ExAC 0.00002; gnomAD exomes 0.00002; TOPMed 0.00002; ESP Exome Variant Server 0.00008.
gnomAD v4.1: 7 of 1,612,176 alleles (0.00043%); highest among the groups gnomAD compares: African/African-American, 0.0013%; no homozygotes.

Submission:

Labcorp Genetics (formerly Invitae), Labcorp
Classification: Uncertain significance. Last evaluated: 2024-01-02. Review status: criteria provided, single submitter. Criteria: Invitae Variant Classification Sherloc (09022015). Collection method: clinical testing. Allele origin: germline.
Comment: This sequence change replaces serine, which is neutral and polar, with phenylalanine, which is neutral and non-polar, at codon 1175 of the CCDC88A protein (p.Ser1175Phe). This variant is present in population databases (rs375580003, gnomAD 0.007%). This variant has not been reported in the literature in individuals affected with CCDC88A-related conditions. ClinVar contains an entry for this variant (Variation ID: 1356497). An algorithm developed to predict the effect of missense changes on protein structure and function (PolyPhen-2) suggests that this variant is likely to be disruptive. In summary, the available evidence is currently insufficient to determine the role of this variant in disease. Therefore, it has been classified as a Variant of Uncertain Significance.

NM_001365480.1(CCDC88A):c.3527C>T (p.Ser1176Phe)

Gene: CCDC88A (coiled-coil and HOOK domain protein 88A; minus strand). Cytogenetic location: 2p16.1.
Variant type: single nucleotide variant.
Coding change: c.3527C>T on transcript NM_001365480.1 (MANE Select); coding-DNA position 3527, C replaced by T.
Protein change: p.Ser1176Phe; replaces serine 1176 with phenylalanine.
Molecular consequence: missense variant.
Genome position (GRCh38, 1-based): chr2:55,317,639, G>A on the plus strand (C>T on the coding strand, the complement: CCDC88A is on the minus strand). VCF-style: chr2-55317639-G-A. GRCh37 (hg19) VCF-style: chr2-55544775-G-A.
Other names: c.3524C>T, p.Ser1175Phe (NM_001135597.2, NM_001254943.2); c.3527C>T, p.Ser1176Phe (NM_018084.5); c.3524C>T (NM_001135597.1); short protein forms S1175F, S1176F.
Identifiers: ClinVar variation 1356497 (VCV001356497.7), dbSNP rs375580003, ClinGen allele CA1665750.
Genomic context (GRCh38, chr2:55,317,639, plus strand): 5'-CTATGTTCCACCTCAAGATTTTTGTGGGCAGACTTCAGAGTTCCATGTTTAGAGATAAGA[G>A]ATTCATACTCTGAAGCCTGACGTTCATGAAGAAGTTCCAGCTTTTCATGATCTTTGATCA-3'
Protein context (NP_001352409.1, residues 1166-1186): LHERQASEYE[Ser1176Phe]LISKHGTLKS